The following is an entry in ClinVar:

ClinVar aggregate classification (germline): Pathogenic. Review status: criteria provided, multiple submitters, no conflicts (2 of 4 stars). 2 submissions from 2 submitters: Pathogenic (2). Last evaluated 2023-08-14.

Conditions:
Hereditary cancer-predisposing syndrome. Also called: Hereditary Cancer Syndrome; Hereditary neoplastic syndrome; Neoplastic Syndromes, Hereditary; Tumor predisposition. Identifiers: Orphanet 140162, MedGen C0027672, MeSH D009386, MONDO:0015356.
Lynch syndrome 5 (LYNCH5). Also called: Hereditary non-polyposis colorectal cancer, type 5; Colorectal cancer, hereditary nonpolyposis, type 5. Identifiers: Orphanet 144, MedGen C1833477, MONDO:0013710, OMIM 614350. Disease mechanism: loss of function.

Submissions (2):

Myriad Genetics, Inc.
Classification: Pathogenic for Lynch syndrome 5. Last evaluated: 2023-08-14. Review status: criteria provided, single submitter. Criteria: Myriad Autosomal Dominant, Autosomal Recessive and X-Linked Classification Criteria (2023). Collection method: clinical testing. Allele origin: unknown.
Comment: This variant is considered pathogenic. This variant creates a frameshift predicted to result in premature protein truncation.

Ambry Genetics
Classification: Pathogenic for Hereditary cancer-predisposing syndrome. Last evaluated: 2021-03-19. Review status: criteria provided, single submitter. Criteria: Ambry Variant Classification Scheme 2023. Collection method: clinical testing. Allele origin: germline.
Comment: The c.1492_1517dup26 pathogenic mutation, located in coding exon 4 of the MSH6 gene, results from a duplication of AAGATGGCACATATATCCAAGTATGA at nucleotide position 1492, causing a translational frameshift with a predicted alternate stop codon (p.D506Efs*13). This alteration is expected to result in loss of function by premature protein truncation or nonsense-mediated mRNA decay. As such, this alteration is interpreted as a disease-causing mutation.

NM_000179.3(MSH6):c.1492_1517dup (p.Asp506fs)

Gene: MSH6 (mutS homolog 6; plus strand). Cytogenetic location: 2p16.3.
Variant type: Duplication.
Coding change: c.1492_1517dup on transcript NM_000179.3 (MANE Select); coding-DNA positions 1492 to 1517, 26 bases duplicated (AAGATGGCACATATATCCAAGTATGA).
Protein change: p.Asp506fs; shifts the reading frame from aspartic acid 506.
Molecular consequence: frameshift variant.
Genome position (GRCh38, 1-based): chr2:47,799,475-47,799,500, AAGATGGCACATATATCCAAGTATGA duplicated; duplicating any 26 consecutive bases within chr2:47,799,473-47,799,500 gives the same sequence; the c. name uses the placement nearest the transcript's 3' end. VCF-style (leftmost placement, unchanged base first): chr2-47799472-A-AGAAAGATGGCACATATATCCAAGTAT. GRCh37 (hg19) VCF-style: chr2-48026611-A-AGAAAGATGGCACATATATCCAAGTAT.
Other names: c.586_611dup, p.Asp204fs (NM_001281494.2, NM_001281493.2); c.1588_1613dup, p.Asp538Glufs (NM_001406795.1, NM_001406802.1); c.1492_1517dup, p.Asp506Glufs (NM_001406796.1, NM_001406798.1, NM_001406800.1 and 4 more transcripts); c.1195_1220dup, p.Asp407Glufs (NM_001406797.1, NM_001406801.1, NM_001406805.1 and 10 more transcripts); c.967_992dup, p.Asp331Glufs (NM_001406799.1, NM_001406806.1, NM_001406807.1); c.1414_1439dup, p.Asp480Glufs (NM_001406804.1); c.586_611dup, p.Asp204Glufs (NM_001406811.1, NM_001406812.1, NM_001406814.1 and 4 more transcripts); c.1498_1523dup, p.Asp508Glufs (NM_001406813.1); and 3 more; short protein forms D204fs, D506fs, D376fs.
Identifiers: ClinVar variation 1773800 (VCV001773800.3), dbSNP rs1669337715, ClinGen allele CA1030293020.